The following is an entry in ClinVar:

ClinVar aggregate classification (germline): Conflicting classifications of pathogenicity. Review status: criteria provided, conflicting classifications (1 of 4 stars). 4 submissions from 4 submitters: Pathogenic (1); Uncertain significance (3). Last evaluated 2024-05-13.

Conditions:
Nemaline myopathy 6 (NEM6). Also called: Nemaline myopathy 6, autosomal dominant. Identifiers: Orphanet 171439, MedGen C1836472, MONDO:0012237, OMIM 609273.

gnomAD v4.1: 6 of 1,511,784 alleles (0.0004%); highest among the groups gnomAD compares: South Asian, 0.0037%; no homozygotes.

Submissions (4):

Labcorp Genetics (formerly Invitae), Labcorp
Classification: Uncertain significance for Nemaline myopathy 6. Last evaluated: 2024-05-13. Review status: criteria provided, single submitter. Criteria: Invitae Variant Classification Sherloc (09022015). Collection method: clinical testing. Allele origin: germline.
Comment: This sequence change replaces valine, which is neutral and non-polar, with methionine, which is neutral and non-polar, at codon 82 of the KBTBD13 protein (p.Val82Met). The frequency data for this variant in the population databases is considered unreliable, as metrics indicate poor data quality at this position in the gnomAD database. This variant has not been reported in the literature in individuals affected with KBTBD13-related conditions. ClinVar contains an entry for this variant (Variation ID: 435545). Advanced modeling of protein sequence and biophysical properties (such as structural, functional, and spatial information, amino acid conservation, physicochemical variation, residue mobility, and thermodynamic stability) performed at Invitae indicates that this missense variant is not expected to disrupt KBTBD13 protein function with a negative predictive value of 80%. In summary, the available evidence is currently insufficient to determine the role of this variant in disease. Therefore, it has been classified as a Variant of Uncertain Significance.

GeneDx
Classification: Uncertain significance. Last evaluated: 2019-05-02. Review status: criteria provided, single submitter. Criteria: GeneDx Variant Classification Process June 2021. Collection method: clinical testing. Allele origin: germline. Affected: yes.
Comment: In silico analysis, which includes protein predictors and evolutionary conservation, supports that this variant does not alter protein structure/function; Has not been previously published as pathogenic or benign to our knowledge

NeuroMeGen, Hospital Clinico Santiago de Compostela
Classification: Pathogenic for Nemaline myopathy 6. Last evaluated: 2018-10-08. Review status: criteria provided, single submitter. Criteria: ACMG Guidelines, 2015. Collection method: clinical testing. Allele origin: de novo. Affected: yes. Observed: 1 heterozygote.

Genetic Services Laboratory, University of Chicago
Classification: Uncertain significance. Last evaluated: 2016-10-13. Review status: criteria provided, single submitter. Criteria: ACMG Guidelines, 2015. Collection method: clinical testing. Allele origin: germline. Affected: no.

NM_001101362.3(KBTBD13):c.244G>A (p.Val82Met)

Gene: KBTBD13 (kelch repeat and BTB domain containing 13; plus strand). Cytogenetic location: 15q22.31.
Variant type: single nucleotide variant.
Coding change: c.244G>A on transcript NM_001101362.3 (MANE Select); coding-DNA position 244, G replaced by A.
Protein change: p.Val82Met; replaces valine 82 with methionine.
Molecular consequence: missense variant.
Genome position (GRCh38, 1-based): chr15:65,077,059, G>A. VCF-style: chr15-65077059-G-A. GRCh37 (hg19) VCF-style: chr15-65369397-G-A.
Other names: short protein forms V82M.
Identifiers: ClinVar variation 435545 (VCV000435545.10), dbSNP rs1303411209, ClinGen allele CA392859059.